The following is an entry in ClinVar:

NM_004304.5(ALK):c.2479G>T (p.Val827Leu)

Gene: ALK (ALK receptor tyrosine kinase; minus strand). Cytogenetic location: 2p23.2.
Variant type: single nucleotide variant.
Coding change: c.2479G>T on transcript NM_004304.5 (MANE Select); coding-DNA position 2479, G replaced by T.
Protein change: p.Val827Leu; replaces valine 827 with leucine.
Molecular consequence: missense variant.
Genome position (GRCh38, 1-based): chr2:29,233,573, C>A on the plus strand (G>T on the coding strand, the complement: ALK is on the minus strand). VCF-style: chr2-29233573-C-A. GRCh37 (hg19) VCF-style: chr2-29456439-C-A.
Other names: short protein forms V827L.
Identifiers: ClinVar variation 4670865 (VCV004670865.1).

ClinVar aggregate classification (germline): Uncertain significance (1 of 4 stars; one submission).

Conditions:
Hereditary cancer-predisposing syndrome. Also called: Neoplastic Syndromes, Hereditary; Tumor predisposition; Hereditary Cancer Syndrome; Hereditary neoplastic syndrome. Identifiers: Orphanet 140162, MedGen C0027672, MeSH D009386, MONDO:0015356.

Submission:

Ambry Genetics
Classification: Uncertain significance for Hereditary cancer-predisposing syndrome. Last evaluated: 2025-09-17. Review status: criteria provided, single submitter. Criteria: Ambry Variant Classification Scheme 2023. Collection method: clinical testing. Allele origin: germline.
Comment: The p.V827L variant (also known as c.2479G>T), located in coding exon 14 of the ALK gene, results from a G to T substitution at nucleotide position 2479. The valine at codon 827 is replaced by leucine, an amino acid with highly similar properties. This amino acid position is conserved. In addition, this alteration is predicted to be tolerated by in silico analysis. Based on the available evidence, the clinical significance of this variant remains unclear.